The following is an entry in ClinVar:

NM_001035.3(RYR2):c.6556-41G>A

Gene: RYR2 (ryanodine receptor 2; plus strand). Cytogenetic location: 1q43.
Variant type: single nucleotide variant.
Coding change: c.6556-41G>A on transcript NM_001035.3 (MANE Select); 41 bases into the intron before coding-DNA position 6556, G replaced by A.
Molecular consequence: intron variant.
Genome position (GRCh38, 1-based): chr1:237,633,537, G>A. VCF-style: chr1-237633537-G-A. GRCh37 (hg19) VCF-style: chr1-237796837-G-A.
Other names: c.6556-41G>A (LRG_402t1).
Identifiers: ClinVar variation 257214 (VCV000257214.8), dbSNP rs10802626, ClinGen allele CA087151.

ClinVar aggregate classification (germline): Benign. Review status: criteria provided, multiple submitters, no conflicts (2 of 4 stars). 7 submissions from 5 submitters: Benign (7). Last evaluated 2026-09-21.

Conditions:
Cardiac arrhythmia. Also called: Cardiac rhythm disease; Arrhythmia. Identifiers: MedGen C0003811, MONDO:0007263, HP:0011675.
Arrhythmogenic right ventricular dysplasia 2. Identifiers: MedGen C1832931.
Catecholaminergic polymorphic ventricular tachycardia 1. Also called: VENTRICULAR TACHYCARDIA, CATECHOLAMINERGIC POLYMORPHIC, 1, WITH OR WITHOUT ATRIAL DYSFUNCTION AND/OR DILATED CARDIOMYOPATHY; RYR2-Related Catecholaminergic Polymorphic Ventricular Tachycardia; VENTRICULAR TACHYCARDIA, STRESS-INDUCED POLYMORPHIC 1. Identifiers: Orphanet 3286, MedGen C1631597, MONDO:0011484, OMIM 604772.

Allele frequency attached by ClinVar (database versions not stated): ExAC 0.36365; 1000 Genomes Project 0.42851; gnomAD 0.39733 and 0.39552; gnomAD exomes 0.36152; ESP Exome Variant Server 0.38679; TOPMed 0.40499; 1000 Genomes Project 30x 0.43738.
gnomAD v4.1: 569,744 of 1,610,230 alleles (35%); highest among the groups gnomAD compares: African/African-American, 51%; 102,991 homozygotes.

Submissions (7):

Molecular Diagnostic Laboratory for Inherited Cardiovascular Disease, Montreal Heart Institute
Classification: Benign. Last evaluated: 2026-09-21. Review status: criteria provided, single submitter. Criteria: ACMG Guidelines, 2015. Collection method: clinical testing. Allele origin: germline. Affected: no.

Genome-Nilou Lab
Classification: Benign for Catecholaminergic polymorphic ventricular tachycardia 1. Last evaluated: 2021-11-07. Review status: criteria provided, single submitter. Criteria: ACMG Guidelines, 2015. Collection method: clinical testing. Allele origin: germline. Affected: no.

Genome-Nilou Lab
Classification: Benign for Ventricular arrhythmias due to cardiac ryanodine receptor calcium release deficiency syndrome. Last evaluated: 2021-11-07. Review status: criteria provided, single submitter. Criteria: ACMG Guidelines, 2015. Collection method: clinical testing. Allele origin: germline. Affected: no.

Genome-Nilou Lab
Classification: Benign for Catecholaminergic polymorphic ventricular tachycardia 1. Last evaluated: 2021-11-07. Review status: criteria provided, single submitter. Criteria: ACMG Guidelines, 2015. Collection method: clinical testing. Allele origin: germline. Affected: no.

GeneDx
Classification: Benign. Last evaluated: 2018-06-16. Review status: criteria provided, single submitter. Criteria: GeneDx Variant Classification (06012015). Collection method: clinical testing. Allele origin: germline. Affected: yes.
Comment: This variant is considered likely benign or benign based on one or more of the following criteria: it is a conservative change, it occurs at a poorly conserved position in the protein, it is predicted to be benign by multiple in silico algorithms, and/or has population frequency not consistent with disease.

Breakthrough Genomics
Classification: Benign. Review status: criteria provided, single submitter. Criteria: ACMG Guidelines, 2015. Collection method: not provided. Allele origin: germline. Inheritance: Autosomal dominant inheritance. Affected: yes.

PreventionGenetics, part of Exact Sciences
Classification: Benign. Review status: criteria provided, single submitter. Criteria: ACMG Guidelines, 2015. Collection method: clinical testing. Allele origin: germline.